The following is an entry in ClinVar:

ClinVar aggregate classification (germline): Pathogenic (1 of 4 stars; one submission).

Conditions:
Walker-Warburg congenital muscular dystrophy. Also called: Muscular dystrophy-dystroglycanopathy, type A; Walker-Warburg syndrome. Identifiers: Orphanet 899, MedGen C0265221, MONDO:0000171.

Submission:

Labcorp Genetics (formerly Invitae), Labcorp
Classification: Pathogenic for Walker-Warburg congenital muscular dystrophy. Last evaluated: 2022-03-26. Review status: criteria provided, single submitter. Criteria: Invitae Variant Classification Sherloc (09022015). Collection method: clinical testing. Allele origin: germline.
Comment: For these reasons, this variant has been classified as Pathogenic. This variant has not been reported in the literature in individuals affected with FKTN-related conditions. This variant is not present in population databases (gnomAD no frequency). This sequence change creates a premature translational stop signal (p.Tyr210Valfs*31) in the FKTN gene. It is expected to result in an absent or disrupted protein product. Loss-of-function variants in FKTN are known to be pathogenic (PMID: 17044012, 17878207, 18752264).

Literature cited by the submitters: PubMed 17044012; PubMed 17878207; PubMed 18752264.

NM_001079802.2(FKTN):c.626_627dup (p.Tyr210fs)

Gene: FKTN (fukutin; plus strand). Cytogenetic location: 9q31.2.
Variant type: Duplication.
Coding change: c.626_627dup on transcript NM_001079802.2 (MANE Select); coding-DNA positions 626 to 627, 2 bases duplicated (GT; older notation c.626_627dupGT).
Protein change: p.Tyr210fs; shifts the reading frame from tyrosine 210.
Molecular consequence: frameshift variant. On other transcripts: non-coding transcript variant (2).
Genome position (GRCh38, 1-based): chr9:105,604,471-105,604,472, GT duplicated. VCF-style (leftmost placement, unchanged base first): chr9-105604470-C-CGT. GRCh37 (hg19) VCF-style: chr9-108366751-C-CGT.
Other names: c.626_627dup, p.Tyr210fs (NM_001198963.2, NM_001351496.2, NM_001351498.2 and 1 more transcripts); c.557_558dup, p.Tyr187fs (NM_001351497.2); c.230_231dup, p.Tyr78fs (NM_001351499.2, NM_001351500.2, NM_001351501.2 and 1 more transcripts); short protein forms Y187fs, Y210fs, Y78fs.
Identifiers: ClinVar variation 1979862 (VCV001979862.4), dbSNP rs2539414037, ClinGen allele CA2580079323.
Genomic context (GRCh38, chr9:105,604,470, plus strand): 5'-TTGAGACTTAAAGAACACATTGACAGGAAATTTGTTCCCTTCCGAAAGTTACAGTTTGGT[C>CGT]GTTATCCAGGAGCTTTTGACAGGTAAGTTCAGAGTCAAAACGTGAAATGTGAAATGAGTG-3'